The following is an entry in ClinVar:

ClinVar aggregate classification (germline): Uncertain significance (1 of 4 stars; one submission).

Conditions:
Hereditary cancer-predisposing syndrome. Also called: Hereditary neoplastic syndrome; Neoplastic Syndromes, Hereditary; Tumor predisposition; Hereditary Cancer Syndrome. Identifiers: Orphanet 140162, MedGen C0027672, MeSH D009386, MONDO:0015356.

Submission:

Ambry Genetics
Classification: Uncertain significance for Hereditary cancer-predisposing syndrome. Last evaluated: 2025-08-27. Review status: criteria provided, single submitter. Criteria: Ambry Variant Classification Scheme 2023. Collection method: clinical testing. Allele origin: germline.
Comment: The p.Q160E variant (also known as c.478C>G), located in coding exon 6 of the MUTYH gene, results from a C to G substitution at nucleotide position 478. The glutamine at codon 160 is replaced by glutamic acid, an amino acid with highly similar properties. This amino acid position is conserved. In addition, the in silico prediction for this alteration is inconclusive. Based on the available evidence, the clinical significance of this variant remains unclear.

NM_001048174.2(MUTYH):c.394C>G (p.Gln132Glu)

Gene: MUTYH (mutY DNA glycosylase; minus strand). Cytogenetic location: 1p34.1.
Variant type: single nucleotide variant.
Coding change: c.394C>G on transcript NM_001048174.2 (MANE Select); coding-DNA position 394, C replaced by G.
Protein change: p.Gln132Glu; replaces glutamine 132 with glutamic acid.
Molecular consequence: missense variant. On other transcripts: intron variant (4), non-coding transcript variant (6).
Genome position (GRCh38, 1-based): chr1:45,332,944, G>C on the plus strand (C>G on the coding strand, the complement: MUTYH is on the minus strand). VCF-style: chr1-45332944-G-C. GRCh37 (hg19) VCF-style: chr1-45798616-G-C.
Other names: c.394C>G, p.Gln132Glu (NM_001048171.2, NM_001048173.2, NM_001407072.1 and 5 more transcripts); c.397C>G, p.Gln133Glu (NM_001048172.2, NM_001407071.1, NM_001407078.1 and 1 more transcripts); c.310C>G, p.Gln104Glu (NM_001407075.1); c.427C>G, p.Gln143Glu (NM_001407077.1, NM_001293191.2); c.49C>G, p.Gln17Glu (NM_001407082.1, NM_001350650.2, NM_001350651.2); c.436C>G, p.Gln146Glu (NM_001407083.1, NM_001407085.1); c.421-110C>G (NM_001407073.1); c.454-110C>G (NM_001407069.1); and 7 more; short protein forms Q160E, Q17E, Q40E, Q139E, Q157E, Q104E, Q133E, Q146E.
Identifiers: ClinVar variation 4113678 (VCV004113678.1).